The following is an entry in ClinVar:

ClinVar aggregate classification (germline): Conflicting classifications of pathogenicity. Review status: criteria provided, conflicting classifications (1 of 4 stars). 3 submissions from 3 submitters: Uncertain significance (1); Likely benign (1). 1 of the submissions does not count toward it. Last evaluated 2026-01-19.

Conditions:
DYNC1H1-related disorder. Also called: DYNC1H1-related condition; DYNC1H1-related disorders. Identifiers: MedGen CN381529.
Charcot-Marie-Tooth disease axonal type 2O. Also called: CHARCOT-MARIE-TOOTH NEUROPATHY, AXONAL, TYPE 2O; CHARCOT-MARIE-TOOTH DISEASE, AXONAL, AUTOSOMAL DOMINANT, TYPE 2O; Charcot-Marie-Tooth Neuropathy Type 2O; Charcot-Marie-Tooth disease, axonal, type 20. Identifiers: Orphanet 284232, MedGen C3280220, MONDO:0013644, OMIM 614228.

Allele frequency attached by ClinVar (database versions not stated): gnomAD exomes below 0.00001; TOPMed below 0.00001; ESP Exome Variant Server 0.00008.
gnomAD v4.1: 2 of 1,614,142 alleles (0.00012%); highest among the groups gnomAD compares: Non-Finnish European, 0.00017%; no homozygotes.

Submissions (3):

Labcorp Genetics (formerly Invitae), Labcorp
Classification: Likely benign for Charcot-Marie-Tooth disease axonal type 2O. Last evaluated: 2026-01-19. Review status: criteria provided, single submitter. Criteria: Invitae Variant Classification Sherloc (09022015). Collection method: clinical testing. Allele origin: germline.

GeneDx
Classification: Uncertain significance. Last evaluated: 2022-02-17. Review status: criteria provided, single submitter. Criteria: GeneDx Variant Classification Process June 2021. Collection method: clinical testing. Allele origin: germline. Affected: yes.
Comment: Has not been previously published as pathogenic or benign to our knowledge; In silico analysis, which includes splice predictors and evolutionary conservation, suggests this variant may impact gene splicing. In the absence of RNA/functional studies, the actual effect of this sequence change is unknown.

PreventionGenetics, part of Exact Sciences
Classification: Uncertain significance for DYNC1H1-related condition. Last evaluated: 2024-02-12. Review status: no assertion criteria provided. Collection method: clinical testing. Allele origin: germline. Not counted in ClinVar's aggregate classification.
Comment: The DYNC1H1 c.2457C>T variant is not predicted to result in an amino acid change (p.=). This variant is predicted to create a cryptic splice donor site (SpliceAI, Jaganathan et al. 2019. PubMed ID: 30661751). To our knowledge, this variant has not been reported in the literature. This variant is reported in 0.0062% of alleles in individuals of African descent in gnomAD. At this time, the clinical significance of this variant is uncertain due to the absence of conclusive functional and genetic evidence.

NM_001376.5(DYNC1H1):c.2457C>T (p.Gly819=)

Gene: DYNC1H1 (dynein cytoplasmic 1 heavy chain 1; plus strand). Cytogenetic location: 14q32.31.
Variant type: single nucleotide variant.
Coding change: c.2457C>T on transcript NM_001376.5 (MANE Select); coding-DNA position 2457, C replaced by T.
Protein change: p.Gly819=; no amino-acid change (glycine 819 retained).
Molecular consequence: synonymous variant.
Genome position (GRCh38, 1-based): chr14:101,986,682, C>T. VCF-style: chr14-101986682-C-T. GRCh37 (hg19) VCF-style: chr14-102453019-C-T.
Identifiers: ClinVar variation 1702698 (VCV001702698.7), dbSNP rs148030949, ClinGen allele CA266981051.